The following is an entry in ClinVar:

ClinVar aggregate classification (germline): Uncertain significance. Review status: criteria provided, multiple submitters, no conflicts (2 of 4 stars). 2 submissions from 2 submitters: Uncertain significance (2). Last evaluated 2025-04-16.

Conditions:
Hereditary nonpolyposis colorectal neoplasms. Identifiers: MedGen C0009405, MeSH D003123.
Hereditary cancer-predisposing syndrome. Also called: Neoplastic Syndromes, Hereditary; Tumor predisposition; Hereditary Cancer Syndrome; Hereditary neoplastic syndrome. Identifiers: Orphanet 140162, MedGen C0027672, MeSH D009386, MONDO:0015356.

Submissions (2):

Ambry Genetics
Classification: Uncertain significance for Hereditary cancer-predisposing syndrome. Last evaluated: 2025-04-16. Review status: criteria provided, single submitter. Criteria: Ambry Variant Classification Scheme 2023. Collection method: clinical testing. Allele origin: germline.
Comment: The p.F569L variant (also known as c.1705T>C), located in coding exon 4 of the MSH6 gene, results from a T to C substitution at nucleotide position 1705. The phenylalanine at codon 569 is replaced by leucine, an amino acid with highly similar properties. This amino acid position is not well conserved in available vertebrate species. In addition, the in silico prediction for this alteration is inconclusive. Based on the available evidence, the clinical significance of this variant remains unclear.

Labcorp Genetics (formerly Invitae), Labcorp
Classification: Uncertain significance for Hereditary nonpolyposis colorectal neoplasms. Last evaluated: 2023-10-25. Review status: criteria provided, single submitter. Criteria: Invitae Variant Classification Sherloc (09022015). Collection method: clinical testing. Allele origin: germline.
Comment: This sequence change replaces phenylalanine, which is neutral and non-polar, with leucine, which is neutral and non-polar, at codon 569 of the MSH6 protein (p.Phe569Leu). This variant is not present in population databases (gnomAD no frequency). This variant has not been reported in the literature in individuals affected with MSH6-related conditions. ClinVar contains an entry for this variant (Variation ID: 525697). Advanced modeling of protein sequence and biophysical properties (such as structural, functional, and spatial information, amino acid conservation, physicochemical variation, residue mobility, and thermodynamic stability) performed at Invitae indicates that this missense variant is not expected to disrupt MSH6 protein function with a negative predictive value of 95%. In summary, the available evidence is currently insufficient to determine the role of this variant in disease. Therefore, it has been classified as a Variant of Uncertain Significance.

NM_000179.3(MSH6):c.1705T>C (p.Phe569Leu)

Gene: MSH6 (mutS homolog 6; plus strand). Cytogenetic location: 2p16.3.
Variant type: single nucleotide variant.
Coding change: c.1705T>C on transcript NM_000179.3 (MANE Select); coding-DNA position 1705, T replaced by C.
Protein change: p.Phe569Leu; replaces phenylalanine 569 with leucine.
Molecular consequence: missense variant.
Genome position (GRCh38, 1-based): chr2:47,799,688, T>C. VCF-style: chr2-47799688-T-C. GRCh37 (hg19) VCF-style: chr2-48026827-T-C.
Other names: c.1315T>C, p.Phe439Leu (NM_001281492.2); c.799T>C, p.Phe267Leu (NM_001281493.2, NM_001281494.2); short protein forms F569L, F267L, F439L.
Identifiers: ClinVar variation 525697 (VCV000525697.14), dbSNP rs1553413084, ClinGen allele CA346748540.